The following is an entry in ClinVar:

ClinVar aggregate classification (germline): Likely pathogenic (1 of 4 stars; one submission).

Conditions:
Peroxisome biogenesis disorder 7A (Zellweger). Also called: Peroxisome biogenesis disorder 7A. Identifiers: Orphanet 912, MedGen C3888385, MONDO:0013938, OMIM 614872.
Peroxisome biogenesis disorder 7B (PBD7B). Identifiers: Orphanet 44, MedGen C3553951, MONDO:0013939, OMIM 614873.

Submission:

Juno Genomics, Hangzhou Juno Genomics, Inc
Classification: Likely pathogenic for Peroxisome biogenesis disorder 7A (Zellweger); Peroxisome biogenesis disorder 7B. Review status: criteria provided, single submitter. Criteria: ACMG Guidelines, 2015. Collection method: clinical testing. Allele origin: germline. Affected: yes.
Comment: Absent from controls (or at extremely low frequency if recessive) in Genome Aggregation Database, Exome Sequencing Project, 1000 Genomes Project, or Exome Aggregation Consortium.;Multiple lines of computational evidence support a deleterious effect on the gene or gene product (conservation, evolutionary, splicing impact, etc).;Located in a mutational hot spot and/or critical and well-established functional domain (e.g. active site of an enzyme) without benign variation.;For recessive disorders, detected in trans with a pathogenic variant.

NM_001127649.3(PEX26):c.307C>T (p.Leu103Phe)

Gene: PEX26 (peroxisomal biogenesis factor 26; plus strand). Cytogenetic location: 22q11.21.
Variant type: single nucleotide variant.
Coding change: c.307C>T on transcript NM_001127649.3 (MANE Select); coding-DNA position 307, C replaced by T.
Protein change: p.Leu103Phe; replaces leucine 103 with phenylalanine.
Molecular consequence: missense variant.
Genome position (GRCh38, 1-based): chr22:18,079,950, C>T. VCF-style: chr22-18079950-C-T. GRCh37 (hg19) VCF-style: chr22-18562716-C-T.
Other names: c.307C>T, p.Leu103Phe (NM_001199319.2, NM_017929.6); short protein forms L103F.
Identifiers: ClinVar variation 4796581 (VCV004796581.1).